The following is an entry in ClinVar:

ClinVar aggregate classification (germline): Uncertain significance (3 of 4 stars; one submission).

Conditions:
Open-angle glaucoma. Identifiers: MedGen C0017612, MONDO:0005338, HP:0012108.

Allele frequency attached by ClinVar (database versions not stated): ExAC 0.00001; ESP Exome Variant Server 0.00008; TOPMed 0.00002.

Submission:

ClinGen Glaucoma Variant Curation Expert Panel
Classification: Uncertain significance for Open-angle glaucoma. Last evaluated: 2025-12-03. Review status: reviewed by expert panel. Criteria: ClinGen Glaucoma ACMG Specifications V2.0.0 Approved. Collection method: curation. Allele origin: germline. Inheritance: Autosomal dominant inheritance.
Comment: The c.814C>T variant in MYOC is predicted to cause a change in the length of the protein due to the insertion of a terminating codon instead of the usual Arginine at amino acid 272. This variant is predicted to cause a deletion of ≥ 10% of the protein within the conserved olfactomedin domain, meeting PM4. PVS1 did not apply, as the disease mechanism for MYOC variants associated with primary open angle glaucoma is not loss-of-function. The highest minor allele frequency of this variant was in the Admixed American genetic ancestry group of gnomAD (v4.1.0) = 0.00001668 (1 allele out of 59,946), which met the ≤ 0.0001 threshold set for PM2_Supporting in a genetic ancestry group of at least 10,000 alleles. There was no computational or functional evidence predicting a damaging or benign impact of this variant on MYOC function. Only 1 proband with primary open angle glaucoma had been reported (PMID: 18852424), not meeting the ≥ 2 probands threshold required to meet PS4_Supporting. In summary, this variant met the criteria to receive a score of 3 and to be classified as a variant of uncertain significance (uncertain significance classification range -1 to 5, adapted from PMID: 32720330) for primary open angle glaucoma based on the ACMG/AMP criteria met, as specified by the ClinGen Glaucoma VCEP (v2.0.0, 5 Dec 2024): PM4, PM2_Supporting.

NM_000261.2(MYOC):c.814C>T (p.Arg272Ter)

Gene: MYOC (myocilin; minus strand). Cytogenetic location: 1q24.3.
Variant type: single nucleotide variant.
Coding change: c.814C>T on transcript NM_000261.2 (MANE Select); coding-DNA position 814, C replaced by T.
Protein change: p.Arg272Ter; replaces arginine 272 with a stop codon.
Molecular consequence: nonsense.
Genome position (GRCh38, 1-based): chr1:171,636,626, G>A on the plus strand (C>T on the coding strand, the complement: MYOC is on the minus strand). VCF-style: chr1-171636626-G-A. GRCh37 (hg19) VCF-style: chr1-171605766-G-A.
Other names: NM_000261.2:c.814C>T; short protein forms R272*.
Identifiers: ClinVar variation 2570628 (VCV002570628.2), dbSNP rs202176570, ClinGen allele CA1244149.